The following is an entry in ClinVar:

ClinVar aggregate classification (germline): Uncertain significance (1 of 4 stars; one submission).

Conditions:
3-Methylglutaconic aciduria type 2 (BTHS). Also called: CARDIOSKELETAL MYOPATHY WITH NEUTROPENIA AND ABNORMAL MITOCHONDRIA; Barth syndrome. Identifiers: Orphanet 111, MedGen C0574083, MONDO:0010543, OMIM 302060.

Allele frequency attached by ClinVar (database versions not stated): ExAC 0.00006.
gnomAD v4.1: 7 of 1,200,572 alleles (0.00058%); highest among the groups gnomAD compares: Non-Finnish European, 0.00078%; no homozygotes.

Submission:

Labcorp Genetics (formerly Invitae), Labcorp
Classification: Uncertain significance for 3-Methylglutaconic aciduria type 2. Last evaluated: 2021-07-09. Review status: criteria provided, single submitter. Criteria: Invitae Variant Classification Sherloc (09022015). Collection method: clinical testing. Allele origin: germline.
Comment: This variant has not been reported in the literature in individuals affected with TAZ-related conditions. This sequence change replaces lysine with asparagine at codon 6 of the TAZ protein (p.Lys6Asn). The lysine residue is weakly conserved and there is a moderate physicochemical difference between lysine and asparagine. This variant is present in population databases (rs782245384, ExAC 0.01%). Algorithms developed to predict the effect of missense changes on protein structure and function are either unavailable or do not agree on the potential impact of this missense change (SIFT: "Not Available"; PolyPhen-2: "Benign"; Align-GVGD: "Not Available"). In summary, the available evidence is currently insufficient to determine the role of this variant in disease. Therefore, it has been classified as a Variant of Uncertain Significance.

NM_000116.5(TAFAZZIN):c.18G>T (p.Lys6Asn)

Genes: DNASE1L1 (deoxyribonuclease 1 like 1; minus strand), TAFAZZIN (tafazzin, phospholipid-lysophospholipid transacylase; plus strand), LOC130068869 (ATAC-STARR-seq lymphoblastoid silent region 21101; plus strand). Cytogenetic location: Xq28.
Variant type: single nucleotide variant.
Coding change: c.18G>T on transcript NM_000116.5 (MANE Select); coding-DNA position 18, G replaced by T.
Protein change: p.Lys6Asn; replaces lysine 6 with asparagine.
Molecular consequence: missense variant. On other transcripts: non-coding transcript variant (1), intron variant (3).
Genome position (GRCh38, 1-based): chrX:154,411,861, G>T. VCF-style: chrX-154411861-G-T. GRCh37 (hg19) VCF-style: chrX-153640198-G-T.
Other names: c.18G>T, p.Lys6Asn (NM_001303465.2, NM_001410698.1, NM_001440856.1 and 5 more transcripts); c.-88+30C>A (NM_001009934.3); c.-173+30C>A (NM_001009933.3); c.-431+30C>A (NM_001009932.3); short protein forms K6N.
Identifiers: ClinVar variation 1922236 (VCV001922236.4), dbSNP rs782245384, ClinGen allele CA10562255.